The following is an entry in ClinVar:

ClinVar aggregate classification (germline): Benign. Review status: criteria provided, multiple submitters, no conflicts (2 of 4 stars). 3 submissions from 3 submitters: Benign (3). Last evaluated 2021-05-14.

Conditions:
Hyper-IgM syndrome type 3. Also called: Hyper-IgM Immunodeficiency Syndrome, Type 3. Identifiers: Orphanet 101090, MedGen C1720957, MONDO:0011735, OMIM 606843.

Allele frequency attached by ClinVar (database versions not stated): 1000 Genomes Project 0.02636; ExAC 0.00900; 1000 Genomes Project 30x 0.02889; TOPMed 0.03339; gnomAD exomes 0.00774; ESP Exome Variant Server 0.03521.

Submissions (3):

GeneDx
Classification: Benign. Last evaluated: 2021-05-14. Review status: criteria provided, single submitter. Criteria: GeneDx Variant Classification Process June 2021. Collection method: clinical testing. Allele origin: germline. Affected: yes.

Illumina Laboratory Services, Illumina
Classification: Benign for Hyper-IgM syndrome type 3. Last evaluated: 2018-01-13. Review status: criteria provided, single submitter. Criteria: ICSL Variant Classification Criteria 13 December 2019. Collection method: clinical testing. Allele origin: germline.
Comment: This variant was observed in the ICSL laboratory as part of a predisposition screen in an ostensibly healthy population. It had not been previously curated by ICSL or reported in the Human Gene Mutation Database (HGMD: prior to June 1st, 2018), and was therefore a candidate for classification through an automated scoring system. Utilizing variant allele frequency, disease prevalence and penetrance estimates, and inheritance mode, an automated score was calculated to assess if this variant is too frequent to cause the disease. Based on the score and internal cut-off values, a variant classified as benign is not then subjected to further curation. The score for this variant resulted in a classification of benign for this disease.

Breakthrough Genomics
Classification: Benign. Review status: criteria provided, single submitter. Criteria: ACMG Guidelines, 2015. Collection method: not provided. Allele origin: germline. Inheritance: Autosomal recessive inheritance. Affected: yes.

NM_001250.4(CD40):c.-41C>T

Genes: CD40 (CD40 molecule; plus strand), LOC127893450 (CRISPRi-FlowFISH-validated CD40 regulatory element GRCh37_chr20:44746135-44748232; plus strand). Cytogenetic location: 20q13.12.
Variant type: single nucleotide variant.
Coding change: c.-41C>T on transcript NM_001250.4; 41 bases upstream of the start codon, C replaced by T.
Genome position (GRCh38, 1-based): chr20:46,118,303, C>T. VCF-style: chr20-46118303-C-T. GRCh37 (hg19) VCF-style: chr20-44746942-C-T.
Identifiers: ClinVar variation 338568 (VCV000338568.10), dbSNP rs11569301, ClinGen allele CA9888314.